The following is an entry in ClinVar:

ClinVar aggregate classification (germline): Uncertain significance (1 of 4 stars; one submission).

gnomAD v4.1: 4 of 1,613,842 alleles (0.00025%); highest among the groups gnomAD compares: Non-Finnish European, 0.00034%; no homozygotes.

Submission:

Labcorp Genetics (formerly Invitae), Labcorp
Classification: Uncertain significance. Last evaluated: 2025-04-30. Review status: criteria provided, single submitter. Criteria: Invitae Variant Classification Sherloc (09022015). Collection method: clinical testing. Allele origin: germline.
Comment: This sequence change falls in intron 10 of the PIK3C2A gene. It does not directly change the encoded amino acid sequence of the PIK3C2A protein. It affects a nucleotide within the consensus splice site. This variant is not present in population databases (gnomAD no frequency). This variant has not been reported in the literature in individuals affected with PIK3C2A-related conditions. Variants that disrupt the consensus splice site are a relatively common cause of aberrant splicing (PMID: 17576681, 9536098). Algorithms developed to predict the effect of sequence changes on RNA splicing suggest that this variant may disrupt the consensus splice site. In summary, the available evidence is currently insufficient to determine the role of this variant in disease. Therefore, it has been classified as a Variant of Uncertain Significance.

Literature cited by the submitters: PubMed 17576681; PubMed 9536098.

NM_002645.4(PIK3C2A):c.1897+5G>C

Gene: PIK3C2A (phosphatidylinositol-4-phosphate 3-kinase catalytic subunit type 2 alpha; minus strand). Cytogenetic location: 11p15.1.
Variant type: single nucleotide variant.
Coding change: c.1897+5G>C on transcript NM_002645.4 (MANE Select); 5 bases into the intron after coding-DNA position 1897, G replaced by C.
Molecular consequence: intron variant.
Genome position (GRCh38, 1-based): chr11:17,135,106, C>G on the plus strand (G>C on the coding strand, the complement: PIK3C2A is on the minus strand). VCF-style: chr11-17135106-C-G. GRCh37 (hg19) VCF-style: chr11-17156653-C-G.
Other names: c.757+5G>C (NM_001321380.2); c.1897+5G>C (NM_001386870.1, NM_001321378.2).
Identifiers: ClinVar variation 4718717 (VCV004718717.1).